The following is an entry in ClinVar:

NM_000179.3(MSH6):c.3694G>A (p.Val1232Ile)

Gene: MSH6 (mutS homolog 6; plus strand). Cytogenetic location: 2p16.3.
Variant type: single nucleotide variant.
Coding change: c.3694G>A on transcript NM_000179.3 (MANE Select); coding-DNA position 3694, G replaced by A.
Protein change: p.Val1232Ile; replaces valine 1232 with isoleucine.
Molecular consequence: missense variant.
Genome position (GRCh38, 1-based): chr2:47,806,251, G>A. VCF-style: chr2-47806251-G-A. GRCh37 (hg19) VCF-style: chr2-48033390-G-A.
Other names: c.3304G>A, p.Val1102Ile (NM_001281492.2); c.2788G>A, p.Val930Ile (NM_001281493.2, NM_001281494.2); short protein forms V930I, V1102I, V1232I.
Identifiers: ClinVar variation 843701 (VCV000843701.12), dbSNP rs41295276, ClinGen allele CA346760966.

ClinVar aggregate classification (germline): Uncertain significance. Review status: criteria provided, multiple submitters, no conflicts (2 of 4 stars). 2 submissions from 2 submitters: Uncertain significance (2). Last evaluated 2024-08-21.

Conditions:
Hereditary nonpolyposis colorectal neoplasms. Identifiers: MedGen C0009405, MeSH D003123.
Hereditary cancer-predisposing syndrome. Also called: Hereditary Cancer Syndrome; Hereditary neoplastic syndrome; Tumor predisposition; Neoplastic Syndromes, Hereditary. Identifiers: Orphanet 140162, MedGen C0027672, MeSH D009386, MONDO:0015356.

Submissions (2):

Labcorp Genetics (formerly Invitae), Labcorp
Classification: Uncertain significance for Hereditary nonpolyposis colorectal neoplasms. Last evaluated: 2024-08-21. Review status: criteria provided, single submitter. Criteria: Invitae Variant Classification Sherloc (09022015). Collection method: clinical testing. Allele origin: germline.
Comment: This sequence change replaces valine, which is neutral and non-polar, with isoleucine, which is neutral and non-polar, at codon 1232 of the MSH6 protein (p.Val1232Ile). This variant is not present in population databases (gnomAD no frequency). This variant has not been reported in the literature in individuals affected with MSH6-related conditions. ClinVar contains an entry for this variant (Variation ID: 843701). Invitae Evidence Modeling of protein sequence and biophysical properties (such as structural, functional, and spatial information, amino acid conservation, physicochemical variation, residue mobility, and thermodynamic stability) indicates that this missense variant is not expected to disrupt MSH6 protein function with a negative predictive value of 95%. In summary, the available evidence is currently insufficient to determine the role of this variant in disease. Therefore, it has been classified as a Variant of Uncertain Significance.

Ambry Genetics
Classification: Uncertain significance for Hereditary cancer-predisposing syndrome. Last evaluated: 2023-06-12. Review status: criteria provided, single submitter. Criteria: Ambry Variant Classification Scheme 2023. Collection method: clinical testing. Allele origin: germline.
Comment: The p.V1232I variant (also known as c.3694G>A), located in coding exon 8 of the MSH6 gene, results from a G to A substitution at nucleotide position 3694. The valine at codon 1232 is replaced by isoleucine, an amino acid with highly similar properties. This amino acid position is highly conserved in available vertebrate species. In addition, the in silico prediction for this alteration is inconclusive. Since supporting evidence is limited at this time, the clinical significance of this alteration remains unclear.